The following is an entry in ClinVar:

NM_004336.5(BUB1):c.215G>C (p.Cys72Ser)

Gene: BUB1 (BUB1 mitotic checkpoint serine/threonine kinase; minus strand). Cytogenetic location: 2q13.
Variant type: single nucleotide variant.
Coding change: c.215G>C on transcript NM_004336.5 (MANE Select); coding-DNA position 215, G replaced by C.
Protein change: p.Cys72Ser; replaces cysteine 72 with serine.
Molecular consequence: missense variant.
Genome position (GRCh38, 1-based): chr2:110,674,096, C>G on the plus strand (G>C on the coding strand, the complement: BUB1 is on the minus strand). VCF-style: chr2-110674096-C-G. GRCh37 (hg19) VCF-style: chr2-111431673-C-G.
Other names: c.155G>C, p.Cys52Ser (NM_001278616.2); c.215G>C, p.Cys72Ser (NM_001278617.2); short protein forms C72S, C52S.
Identifiers: ClinVar variation 1786878 (VCV001786878.2), dbSNP rs757798502, ClinGen allele CA348221050.

ClinVar aggregate classification (germline): Uncertain significance (1 of 4 stars; one submission).

Submission:

Ambry Genetics
Classification: Uncertain significance. Last evaluated: 2021-08-25. Review status: criteria provided, single submitter. Criteria: Ambry Variant Classification Scheme 2023. Collection method: clinical testing. Allele origin: germline.
Comment: The p.C72S variant (also known as c.215G>C), located in coding exon 3 of the BUB1 gene, results from a G to C substitution at nucleotide position 215. The cysteine at codon 72 is replaced by serine, an amino acid with dissimilar properties. This amino acid position is conserved. In addition, the in silico prediction for this alteration is inconclusive. Since supporting evidence is limited at this time, the clinical significance of this alteration remains unclear.